The following is an entry in ClinVar:

ClinVar aggregate classification (germline): Uncertain significance (1 of 4 stars; one submission).

Conditions:
Cardiovascular phenotype. Identifiers: MedGen CN230736.

gnomAD v4.1: 1 of 1,612,760 alleles (0.000062%); highest among the groups gnomAD compares: Non-Finnish European, 0.000085%; no homozygotes.

Submission:

Ambry Genetics
Classification: Uncertain significance for Cardiovascular phenotype. Last evaluated: 2025-02-01. Review status: criteria provided, single submitter. Criteria: Ambry Variant Classification Scheme 2023. Collection method: clinical testing. Allele origin: germline.
Comment: The p.Y373H variant (also known as c.1117T>C), located in coding exon 13 of the MYBPC3 gene, results from a T to C substitution at nucleotide position 1117. The tyrosine at codon 373 is replaced by histidine, an amino acid with similar properties. This amino acid position is conserved. In addition, the in silico prediction for this alteration is inconclusive. Based on the available evidence, the clinical significance of this variant remains unclear.

NM_000256.3(MYBPC3):c.1117T>C (p.Tyr373His)

Gene: MYBPC3 (myosin binding protein C3; minus strand). Cytogenetic location: 11p11.2.
Variant type: single nucleotide variant.
Coding change: c.1117T>C on transcript NM_000256.3 (MANE Select); coding-DNA position 1117, T replaced by C.
Protein change: p.Tyr373His; replaces tyrosine 373 with histidine.
Molecular consequence: missense variant.
Genome position (GRCh38, 1-based): chr11:47,343,598, A>G on the plus strand (T>C on the coding strand, the complement: MYBPC3 is on the minus strand). VCF-style: chr11-47343598-A-G. GRCh37 (hg19) VCF-style: chr11-47365149-A-G.
Other names: short protein forms Y373H.
Identifiers: ClinVar variation 3876139 (VCV003876139.1).
Genomic context (GRCh38, chr11:47,343,598, plus strand): 5'-CAGCGTCATGGTCAGCCAGTTCCACGGTCAGCCGGATCTTGTGGCCTTTGCTCACCTGGT[A>G]GGCCGGCTCCAGCTTCTTCTGAAAGGCTGAGCACCACCCCTCAGCCCCGGCCACCCCACC-3'
Protein context (NP_000247.2, residues 363-383): TAFQKKLEPA[Tyr373His]QVSKGHKIRL